The following is an entry in ClinVar:

NM_001458.5(FLNC):c.4415C>T (p.Ala1472Val)

Gene: FLNC (filamin C; plus strand). Cytogenetic location: 7q32.1.
Variant type: single nucleotide variant.
Coding change: c.4415C>T on transcript NM_001458.5 (MANE Select); coding-DNA position 4415, C replaced by T.
Protein change: p.Ala1472Val; replaces alanine 1472 with valine.
Molecular consequence: missense variant.
Genome position (GRCh38, 1-based): chr7:128,847,823, C>T. VCF-style: chr7-128847823-C-T. GRCh37 (hg19) VCF-style: chr7-128487877-C-T.
Other names: c.4415C>T, p.Ala1472Val (NM_001127487.2); short protein forms A1472V.
Identifiers: ClinVar variation 1740429 (VCV001740429.21), dbSNP rs1322180292, ClinGen allele CA369201565.

ClinVar aggregate classification (germline): Uncertain significance. Review status: criteria provided, multiple submitters, no conflicts (2 of 4 stars). 3 submissions from 3 submitters: Uncertain significance (3). Last evaluated 2024-11-01.

Conditions:
Distal myopathy with posterior leg and anterior hand involvement. Also called: WILLIAMS DISTAL MYOPATHY. Identifiers: Orphanet 63273, MedGen C3279722, MONDO:0013550, OMIM 614065.
Myofibrillar myopathy 5. Also called: Filaminopathy (type); FILAMINOPATHY, AUTOSOMAL DOMINANT. Identifiers: Orphanet 171445, MedGen C1836050, MONDO:0012289, OMIM 609524.
Hypertrophic cardiomyopathy 26. Also called: Cardiomyopathy, familial hypertrophic, 26. Identifiers: Orphanet 75249, MedGen C4310749, MONDO:0014883, OMIM 617047.
Cardiovascular phenotype. Identifiers: MedGen CN230736.

Allele frequency attached by ClinVar (database versions not stated): gnomAD exomes below 0.00001; gnomAD 0.00001; TOPMed 0.00001.
gnomAD v4.1: 3 of 1,613,584 alleles (0.00019%); highest among the groups gnomAD compares: African/African-American, 0.004%; no homozygotes.

Submissions (3):

CeGaT Center for Human Genetics Tuebingen
Classification: Uncertain significance. Last evaluated: 2024-11-01. Review status: criteria provided, single submitter. Criteria: CeGaT Center For Human Genetics Tuebingen Variant Classification Criteria Version 2. Collection method: clinical testing. Allele origin: germline. Affected: yes. Observed: 1 variant allele.
Comment: FLNC: PM2

Labcorp Genetics (formerly Invitae), Labcorp
Classification: Uncertain significance for Distal myopathy with posterior leg and anterior hand involvement; Myofibrillar myopathy 5; Hypertrophic cardiomyopathy 26. Last evaluated: 2023-10-27. Review status: criteria provided, single submitter. Criteria: Invitae Variant Classification Sherloc (09022015). Collection method: clinical testing. Allele origin: germline.
Comment: This sequence change replaces alanine, which is neutral and non-polar, with valine, which is neutral and non-polar, at codon 1472 of the FLNC protein (p.Ala1472Val). This variant is not present in population databases (gnomAD no frequency). This variant has not been reported in the literature in individuals affected with FLNC-related conditions. ClinVar contains an entry for this variant (Variation ID: 1740429). Advanced modeling of protein sequence and biophysical properties (such as structural, functional, and spatial information, amino acid conservation, physicochemical variation, residue mobility, and thermodynamic stability) has been performed at Invitae for this missense variant, however the output from this modeling did not meet the statistical confidence thresholds required to predict the impact of this variant on FLNC protein function. In summary, the available evidence is currently insufficient to determine the role of this variant in disease. Therefore, it has been classified as a Variant of Uncertain Significance.

Ambry Genetics
Classification: Uncertain significance for Cardiovascular phenotype. Last evaluated: 2020-12-21. Review status: criteria provided, single submitter. Criteria: Ambry Variant Classification Scheme 2023. Collection method: clinical testing. Allele origin: germline.
Comment: The p.A1472V variant (also known as c.4415C>T), located in coding exon 25 of the FLNC gene, results from a C to T substitution at nucleotide position 4415. The alanine at codon 1472 is replaced by valine, an amino acid with similar properties. This amino acid position is highly conserved in available vertebrate species. In addition, this alteration is predicted to be deleterious by in silico analysis. Since supporting evidence is limited at this time, the clinical significance of this alteration remains unclear.